The following is an entry in ClinVar:

NM_000548.5(TSC2):c.2710T>C (p.Phe904Leu)

Gene: TSC2 (TSC complex subunit 2; plus strand). Cytogenetic location: 16p13.3.
Variant type: single nucleotide variant.
Coding change: c.2710T>C on transcript NM_000548.5 (MANE Select); coding-DNA position 2710, T replaced by C.
Protein change: p.Phe904Leu; replaces phenylalanine 904 with leucine.
Molecular consequence: missense variant. On other transcripts: non-coding transcript variant (5).
Genome position (GRCh38, 1-based): chr16:2,076,138, T>C. VCF-style: chr16-2076138-T-C. GRCh37 (hg19) VCF-style: chr16-2126139-T-C.
Other names: c.2710T>C, p.Phe904Leu (NM_001406665.1, NM_001406663.1, NM_001406664.1 and 6 more transcripts); c.2800T>C, p.Phe934Leu (NM_001406667.1, NM_001406668.1); c.2698T>C, p.Phe900Leu (NM_001406673.1, NM_001406671.1); c.2563T>C, p.Phe855Leu (NM_001406675.1, NM_001406676.1, NM_001318829.2 and 1 more transcripts); c.2599T>C, p.Phe867Leu (NM_001406670.1, NM_001318827.2, NM_001406678.1); c.2110T>C, p.Phe704Leu (NM_001318831.2, NM_001406680.1, NM_001406682.1 and 6 more transcripts); c.2743T>C, p.Phe915Leu (NM_001318832.2); c.2653T>C, p.Phe885Leu (NM_001406677.1); and 3 more; short protein forms F370L, F456L, F704L, F750L, F855L, F867L, F885L, F900L.
Identifiers: ClinVar variation 4071225 (VCV004071225.1).

ClinVar aggregate classification (germline): Likely benign (1 of 4 stars; one submission).

Conditions:
Tuberous sclerosis 2 (TSC2). Identifiers: Orphanet 805, MedGen C1860707, MONDO:0013199, OMIM 613254.

Submission:

Myriad Genetics, Inc.
Classification: Likely benign for Tuberous sclerosis 2. Last evaluated: 2025-05-21. Review status: criteria provided, single submitter. Criteria: Myriad Autosomal Dominant, Autosomal Recessive and X-Linked Classification Criteria (2023). Collection method: clinical testing. Allele origin: unknown.
Comment: This variant is considered likely benign. This variant has been observed at a population frequency that is significantly greater than expected given the associated disease prevalence and penetrance.